The following is an entry in ClinVar:

NM_007255.3(B4GALT7):c.467C>T (p.Thr156Met)

Gene: B4GALT7 (beta-1,4-galactosyltransferase 7; plus strand). Cytogenetic location: 5q35.3.
Variant type: single nucleotide variant.
Coding change: c.467C>T on transcript NM_007255.3 (MANE Select); coding-DNA position 467, C replaced by T.
Protein change: p.Thr156Met; replaces threonine 156 with methionine.
Molecular consequence: missense variant.
Genome position (GRCh38, 1-based): chr5:177,607,355, C>T. VCF-style: chr5-177607355-C-T. GRCh37 (hg19) VCF-style: chr5-177034356-C-T.
Other names: c.467C>T (NM_007255.2); short protein forms T156M.
Identifiers: ClinVar variation 2160816 (VCV002160816.2), dbSNP rs145129446, ClinGen allele CA3586506.

ClinVar aggregate classification (germline): Uncertain significance. Review status: criteria provided, multiple submitters, no conflicts (2 of 4 stars). 2 submissions from 2 submitters: Uncertain significance (2). Last evaluated 2022-11-10.

Conditions:
Spondylodysplastic Ehlers-Danlos syndrome. Identifiers: Orphanet 536471, Orphanet 75496, MedGen C5680154, MONDO:0007526.
Inborn genetic diseases. Identifiers: MedGen C0950123, MeSH D030342.

Allele frequency attached by ClinVar (database versions not stated): 1000 Genomes Project 0.00040; 1000 Genomes Project 30x 0.00078; ExAC 0.00005; gnomAD 0.00005; ESP Exome Variant Server 0.00008.
gnomAD v4.1: 48 of 1,613,966 alleles (0.003%); highest among the groups gnomAD compares: East Asian, 0.013%; no homozygotes.

Submissions (2):

Ambry Genetics
Classification: Uncertain significance for Inborn genetic diseases. Last evaluated: 2022-11-10. Review status: criteria provided, single submitter. Criteria: Ambry Variant Classification Scheme 2023. Collection method: clinical testing. Allele origin: germline.

Labcorp Genetics (formerly Invitae), Labcorp
Classification: Uncertain significance for Spondylodysplastic Ehlers-Danlos syndrome. Last evaluated: 2022-08-31. Review status: criteria provided, single submitter. Criteria: Invitae Variant Classification Sherloc (09022015). Collection method: clinical testing. Allele origin: germline.
Comment: This sequence change replaces threonine, which is neutral and polar, with methionine, which is neutral and non-polar, at codon 156 of the B4GALT7 protein (p.Thr156Met). This variant is present in population databases (rs145129446, gnomAD 0.02%). This variant has not been reported in the literature in individuals affected with B4GALT7-related conditions. Algorithms developed to predict the effect of missense changes on protein structure and function are either unavailable or do not agree on the potential impact of this missense change (SIFT: "Tolerated"; PolyPhen-2: "Probably Damaging"; Align-GVGD: "Class C0"). In summary, the available evidence is currently insufficient to determine the role of this variant in disease. Therefore, it has been classified as a Variant of Uncertain Significance.